The following is an entry in ClinVar:

NM_001127511.3(APC):c.165+20759T>G

Gene: APC (APC regulator of Wnt signaling pathway; plus strand). Cytogenetic location: 5q22.2.
Variant type: single nucleotide variant.
Coding change: c.165+20759T>G on transcript NM_001127511.3; 20759 bases into the intron after coding-DNA position 165, T replaced by G.
Molecular consequence: intron variant.
Genome position (GRCh38, 1-based): chr5:112,728,641, T>G. VCF-style: chr5-112728641-T-G. GRCh37 (hg19) VCF-style: chr5-112064338-T-G.
Other names: c.-1054+20759T>G (NM_001407470.1, NM_001407472.1); c.-19+20759T>G (NM_001407447.1, NM_001354895.2, NM_001407456.1 and 3 more transcripts); c.165+20759T>G (NM_001407446.1, NM_001354897.2, NM_001354902.2); c.-19+20992T>G (NM_001407448.1, NM_001407450.1, NM_001407457.1 and 1 more transcripts); c.-43+20992T>G (NM_001407453.1).
Identifiers: ClinVar variation 82293 (VCV000082293.4), dbSNP rs80102729, ClinGen allele CA023499.

ClinVar aggregate classification (germline): other (0 of 4 stars; one submission).

Conditions:
Familial colorectal cancer. Identifiers: MedGen CN280943, MONDO:0023113. Disease mechanism: loss of function.

Submission:

Systems Biology Platform Zhejiang California International NanoSystems Institute
Classification: other for Familial colorectal cancer. Review status: no assertion criteria provided. Collection method: not provided. Allele origin: unknown.
ClinVar note: Converted during submission from cancer to other.